The following is an entry in ClinVar:

ClinVar aggregate classification (germline): Uncertain significance (1 of 4 stars; one submission).

gnomAD v4.1: 5 of 1,613,896 alleles (0.00031%); highest among the groups gnomAD compares: Non-Finnish European, 0.00042%; no homozygotes.

Submission:

Labcorp Genetics (formerly Invitae), Labcorp
Classification: Uncertain significance. Last evaluated: 2021-09-18. Review status: criteria provided, single submitter. Criteria: Invitae Variant Classification Sherloc (09022015). Collection method: clinical testing. Allele origin: germline.
Comment: In summary, the available evidence is currently insufficient to determine the role of this variant in disease. Therefore, it has been classified as a Variant of Uncertain Significance. Algorithms developed to predict the effect of missense changes on protein structure and function are either unavailable or do not agree on the potential impact of this missense change (SIFT: "Deleterious"; PolyPhen-2: "Probably Damaging"; Align-GVGD: "Class C0"). This variant has not been reported in the literature in individuals affected with ARHGEF10-related conditions. This variant is not present in population databases (ExAC no frequency). This sequence change replaces threonine with asparagine at codon 1173 of the ARHGEF10 protein (p.Thr1173Asn). The threonine residue is moderately conserved and there is a small physicochemical difference between threonine and asparagine.

NM_014629.4(ARHGEF10):c.3518C>A (p.Thr1173Asn)

Gene: ARHGEF10 (Rho guanine nucleotide exchange factor 10; plus strand). Cytogenetic location: 8p23.3.
Variant type: single nucleotide variant.
Coding change: c.3518C>A on transcript NM_014629.4 (MANE Select); coding-DNA position 3518, C replaced by A.
Protein change: p.Thr1173Asn; replaces threonine 1173 with asparagine.
Molecular consequence: missense variant.
Genome position (GRCh38, 1-based): chr8:1,952,825, C>A. VCF-style: chr8-1952825-C-A. GRCh37 (hg19) VCF-style: chr8-1900991-C-A.
Other names: c.3404C>A, p.Thr1135Asn (NM_001308152.2); c.3518C>A, p.Thr1173Asn (NM_001308153.3); short protein forms T1173N, T1197N, T1135N.
Identifiers: ClinVar variation 1346840 (VCV001346840.6), dbSNP rs187607027, ClinGen allele CA369957643.